The following is an entry in ClinVar:

ClinVar aggregate classification (germline): Likely pathogenic (1 of 4 stars; one submission).

Submission:

Dasa
Classification: Likely pathogenic. Last evaluated: 2026-04-09. Review status: criteria provided, single submitter. Criteria: DASA Assertion Criteria. Collection method: clinical testing. Allele origin: germline.
Comment: NM_213653.4(HJV):c.206del (p.Gly69Alafs*45) is a frameshift variant in HJV predicted to alter the reading frame and introduce a premature termination codon and is predicted to result in an absent or altered protein product. Loss of function is an established disease mechanism for HJV-associated disorders. Also, this variant is rare in population databases. Based on the currently available evidence, this variant is classified as likely pathogenic.

NM_213653.4(HJV):c.206del (p.Gly69fs)

Gene: HJV (hemojuvelin BMP co-receptor; minus strand). Cytogenetic location: 1q21.1.
Variant type: Deletion.
Coding change: c.206del on transcript NM_213653.4 (MANE Select); coding-DNA position 206, one base deleted (G; older notation c.206delG).
Protein change: p.Gly69fs; shifts the reading frame from glycine 69.
Molecular consequence: frameshift variant. On other transcripts: 5 prime UTR variant (1), intron variant (3).
Genome position (GRCh38, 1-based): chr1:146,019,626, C deleted on the plus strand (G on the coding strand, the reverse complement: HJV is on the minus strand); the first of 2 consecutive C bases (chr1:146,019,626-146,019,627); deleting either gives the same sequence. VCF-style (leftmost placement, unchanged base first): chr1-146019625-GC-G. GRCh37 (hg19) VCF-style: chr1-145415385-AG-A.
Other names: c.206del, p.Gly69fs (NM_001379352.1); c.-134del (NM_145277.5); c.-21-926del (NM_213652.4); c.-22+72del (NM_202004.4, NM_001316767.2); short protein forms G69fs.
Identifiers: ClinVar variation 4880517 (VCV004880517.2).